The following is an entry in ClinVar:

NM_022124.6(CDH23):c.4589C>T (p.Pro1530Leu)

Gene: CDH23 (cadherin related 23; plus strand). Cytogenetic location: 10q22.1.
Variant type: single nucleotide variant.
Coding change: c.4589C>T on transcript NM_022124.6 (MANE Select); coding-DNA position 4589, C replaced by T.
Protein change: p.Pro1530Leu; replaces proline 1530 with leucine.
Molecular consequence: missense variant.
Genome position (GRCh38, 1-based): chr10:71,740,922, C>T. VCF-style: chr10-71740922-C-T. GRCh37 (hg19) VCF-style: chr10-73500679-C-T.
Other names: short protein forms P1530L.
Identifiers: ClinVar variation 179345 (VCV000179345.43), dbSNP rs554938323, ClinGen allele CA184239.

ClinVar aggregate classification (germline): Conflicting classifications of pathogenicity. Review status: criteria provided, conflicting classifications (1 of 4 stars). 10 submissions from 8 submitters: Uncertain significance (1); Benign (2); Likely benign (6). 1 of the submissions does not count toward it. Last evaluated 2026-01-20.

Conditions:
Usher syndrome type 1 (USH1). Also called: RETINITIS PIGMENTOSA AND CONGENITAL DEAFNESS. Identifiers: Orphanet 231169, Orphanet 886, MedGen C1568247, MONDO:0010168, OMIM 276900.
Autosomal recessive nonsyndromic hearing loss 12. Also called: DEAFNESS, AUTOSOMAL RECESSIVE 12. Identifiers: Orphanet 90636, MedGen C1832394, MONDO:0011067, OMIM 601386.
Usher syndrome type 1D (USH1D). Also called: USHER SYNDROME, TYPE ID. Identifiers: Orphanet 231169, Orphanet 886, MedGen C1832845, MONDO:0010984, OMIM 601067.

Allele frequency attached by ClinVar (database versions not stated): gnomAD 0.00002 and 0.00027; TOPMed 0.00007; gnomAD exomes 0.00060 and 0.00130; ExAC 0.00137; 1000 Genomes Project 30x 0.00156; 1000 Genomes Project 0.00160.
gnomAD v4.1: 917 of 1,613,946 alleles (0.057%); highest among the groups gnomAD compares: South Asian, 0.95%; 13 homozygotes.

Submissions (10):

Labcorp Genetics (formerly Invitae), Labcorp
Classification: Benign. Last evaluated: 2026-01-20. Review status: criteria provided, single submitter. Criteria: Invitae Variant Classification Sherloc (09022015). Collection method: clinical testing. Allele origin: germline.

CeGaT Center for Human Genetics Tuebingen
Classification: Likely benign. Last evaluated: 2026-01-01. Review status: criteria provided, single submitter. Criteria: CeGaT Center For Human Genetics Tuebingen Variant Classification Criteria Version 2. Collection method: clinical testing. Allele origin: germline. Affected: yes. Observed: 2 variant alleles.
Comment: CDH23: BP4, BS2

Blueprint Genetics
Classification: Likely benign. Last evaluated: 2024-11-06. Review status: criteria provided, single submitter. Criteria: ACMG Guidelines, 2015. Collection method: clinical testing. Allele origin: germline.

Genome-Nilou Lab
Classification: Likely benign for Autosomal recessive nonsyndromic hearing loss 12. Last evaluated: 2021-07-14. Review status: criteria provided, single submitter. Criteria: ACMG Guidelines, 2015. Collection method: clinical testing. Allele origin: germline. Affected: no.

Genome-Nilou Lab
Classification: Likely benign for Usher syndrome type 1D. Last evaluated: 2021-07-14. Review status: criteria provided, single submitter. Criteria: ACMG Guidelines, 2015. Collection method: clinical testing. Allele origin: germline. Affected: no.

GeneDx
Classification: Likely benign. Last evaluated: 2020-08-31. Review status: criteria provided, single submitter. Criteria: GeneDx Variant Classification Process June 2021. Collection method: clinical testing. Allele origin: germline. Affected: yes.

Illumina Laboratory Services, Illumina
Classification: Uncertain significance for Autosomal recessive nonsyndromic hearing loss 12. Last evaluated: 2018-01-12. Review status: criteria provided, single submitter. Criteria: ICSL Variant Classification Criteria 13 December 2019. Collection method: clinical testing. Allele origin: germline.

Illumina Laboratory Services, Illumina
Classification: Likely benign for Usher syndrome type 1D. Last evaluated: 2018-01-12. Review status: criteria provided, single submitter. Criteria: ICSL Variant Classification Criteria 13 December 2019. Collection method: clinical testing. Allele origin: germline.
Comment: This variant was observed in the ICSL laboratory as part of a predisposition screen in an ostensibly healthy population. It had not been previously curated by ICSL or reported in the Human Gene Mutation Database (HGMD: prior to June 1st, 2018), and was therefore a candidate for classification through an automated scoring system. Utilizing variant allele frequency, disease prevalence and penetrance estimates, and inheritance mode, an automated score was calculated to assess if this variant is too frequent to cause the disease. Based on the score and internal cut-off values, a variant classified as likely benign is not then subjected to further curation. The score for this variant resulted in a classification of likely benign for this disease.

Laboratory for Molecular Medicine, Mass General Brigham Personalized Medicine
Classification: Benign. Last evaluated: 2017-05-25. Review status: criteria provided, single submitter. Criteria: LMM Criteria. Collection method: clinical testing. Allele origin: germline. Observed: 2 variant alleles.
Comment: p.Pro1530Leu in exon 37 of CDH23: This variant is not expected to have clinical significance because it has been identified in 1% (314/30782) of South Asian chr omosomes by the Genome Aggregation Database (gnomAD; dbSNP rs554938323).

Natera, Inc.
Classification: Likely benign for Usher syndrome type 1. Last evaluated: 2020-04-15. Review status: no assertion criteria provided. Collection method: clinical testing. Allele origin: germline. Not counted in ClinVar's aggregate classification.